The following is an entry in ClinVar:

ClinVar aggregate classification (germline): Uncertain significance (1 of 4 stars; one submission).

Conditions:
Cardiovascular phenotype. Identifiers: MedGen CN230736.

Allele frequency attached by ClinVar (database versions not stated): TOPMed 0.00004; gnomAD 0.00007; 1000 Genomes Project 30x 0.00047; 1000 Genomes Project 0.00060.
gnomAD v4.1: 20 of 1,546,150 alleles (0.0013%); highest among the groups gnomAD compares: African/African-American, 0.015%; no homozygotes.

Submission:

Ambry Genetics
Classification: Uncertain significance for Cardiovascular phenotype. Last evaluated: 2025-12-23. Review status: criteria provided, single submitter. Criteria: Ambry Variant Classification Scheme 2023. Collection method: clinical testing. Allele origin: germline.
Comment: The p.R623Q variant (also known as c.1868G>A), located in coding exon 15 of the ENG gene, results from a G to A substitution at nucleotide position 1868. The arginine at codon 623 is replaced by glutamine, an amino acid with highly similar properties. This amino acid position is conserved. In addition, this alteration is predicted to be tolerated by in silico analysis. Based on the available evidence, the clinical significance of this variant remains unclear.

NM_001114753.3(ENG):c.1868G>A (p.Arg623Gln)

Gene: ENG (endoglin; minus strand). Cytogenetic location: 9q34.11.
Variant type: single nucleotide variant.
Coding change: c.1868G>A on transcript NM_001114753.3 (MANE Select); coding-DNA position 1868, G replaced by A.
Protein change: p.Arg623Gln; replaces arginine 623 with glutamine.
Molecular consequence: missense variant.
Genome position (GRCh38, 1-based): chr9:127,815,791, C>T on the plus strand (G>A on the coding strand, the complement: ENG is on the minus strand). VCF-style: chr9-127815791-C-T. GRCh37 (hg19) VCF-style: chr9-130578070-C-T.
Other names: c.*126G>A (NM_000118.4); c.1322G>A, p.Arg441Gln (NM_001278138.2); short protein forms R623Q, R441Q.
Identifiers: ClinVar variation 2272296 (VCV002272296.3), dbSNP rs186315094, ClinGen allele CA5252591.